The following is an entry in ClinVar:

NM_004336.5(BUB1):c.2153T>C (p.Leu718Pro)

Gene: BUB1 (BUB1 mitotic checkpoint serine/threonine kinase; minus strand). Cytogenetic location: 2q13.
Variant type: single nucleotide variant.
Coding change: c.2153T>C on transcript NM_004336.5 (MANE Select); coding-DNA position 2153, T replaced by C.
Protein change: p.Leu718Pro; replaces leucine 718 with proline.
Molecular consequence: missense variant.
Genome position (GRCh38, 1-based): chr2:110,650,596, A>G on the plus strand (T>C on the coding strand, the complement: BUB1 is on the minus strand). VCF-style: chr2-110650596-A-G. GRCh37 (hg19) VCF-style: chr2-111408173-A-G.
Other names: c.2093T>C, p.Leu698Pro (NM_001278616.2); c.2153T>C, p.Leu718Pro (NM_001278617.2); short protein forms L698P, L718P.
Identifiers: ClinVar variation 1786789 (VCV001786789.2), dbSNP rs751876699, ClinGen allele CA1827884.

ClinVar aggregate classification (germline): Uncertain significance (1 of 4 stars; one submission).

Allele frequency attached by ClinVar (database versions not stated): ExAC 0.00001; gnomAD 0.00001; gnomAD exomes 0.00001.
gnomAD v4.1: 14 of 1,613,778 alleles (0.00087%); highest among the groups gnomAD compares: South Asian, 0.014%; no homozygotes.

Submission:

Ambry Genetics
Classification: Uncertain significance. Last evaluated: 2023-10-23. Review status: criteria provided, single submitter. Criteria: Ambry Variant Classification Scheme 2023. Collection method: clinical testing. Allele origin: germline.
Comment: The p.L718P variant (also known as c.2153T>C), located in coding exon 18 of the BUB1 gene, results from a T to C substitution at nucleotide position 2153. The leucine at codon 718 is replaced by proline, an amino acid with similar properties. This amino acid position is conserved. In addition, this alteration is predicted to be tolerated by in silico analysis. Since supporting evidence is limited at this time, the clinical significance of this alteration remains unclear.